The following is an entry in ClinVar:

Single allele

Variant type: Duplication.
Identifiers: ClinVar variation 559460 (VCV000559460.3).

ClinVar aggregate classification (germline): Likely pathogenic (1 of 4 stars; one submission).

Submission:

Geisinger Autism and Developmental Medicine Institute, Geisinger Health System
Classification: Likely pathogenic. Last evaluated: 2017-05-01. Review status: criteria provided, single submitter. Criteria: ACMG CNV Guidelines, 2011. Collection method: provider interpretation. Allele origin: de novo.
Comment: Given the size of the duplication, the variant has been classified as likely pathogenic.